The following is an entry in ClinVar:

ClinVar aggregate classification (germline): Uncertain significance. Review status: criteria provided, multiple submitters, no conflicts (2 of 4 stars). 2 submissions from 2 submitters: Uncertain significance (2). Last evaluated 2025-07-30.

Conditions:
Gorlin syndrome. Also called: Nevoid Basal Cell Carcinoma Syndrome; Basal cell nevus syndrome. Identifiers: Orphanet 377, MedGen C0004779, MONDO:0007187.

Submissions (2):

Labcorp Genetics (formerly Invitae), Labcorp
Classification: Uncertain significance for Gorlin syndrome. Last evaluated: 2025-07-30. Review status: criteria provided, single submitter. Criteria: Invitae Variant Classification Sherloc (09022015). Collection method: clinical testing. Allele origin: germline.
Comment: This sequence change replaces histidine, which is basic and polar, with arginine, which is basic and polar, at codon 1121 of the PTCH1 protein (p.His1121Arg). This variant is not present in population databases (gnomAD no frequency). This variant has not been reported in the literature in individuals affected with PTCH1-related conditions. ClinVar contains an entry for this variant (Variation ID: 1484465). Invitae Evidence Modeling of protein sequence and biophysical properties (such as structural, functional, and spatial information, amino acid conservation, physicochemical variation, residue mobility, and thermodynamic stability) has been performed for this missense variant. However, the output from this modeling did not meet the statistical confidence thresholds required to predict the impact of this variant on PTCH1 protein function. In summary, the available evidence is currently insufficient to determine the role of this variant in disease. Therefore, it has been classified as a Variant of Uncertain Significance.

GeneDx
Classification: Uncertain significance. Last evaluated: 2023-04-11. Review status: criteria provided, single submitter. Criteria: GeneDx Variant Classification Process June 2021. Collection method: clinical testing. Allele origin: germline. Affected: yes.
Comment: Not observed at significant frequency in large population cohorts (gnomAD); In silico analysis supports that this missense variant has a deleterious effect on protein structure/function; Has not been previously published as pathogenic or benign to our knowledge

NM_000264.5(PTCH1):c.3362A>G (p.His1121Arg)

Gene: PTCH1 (patched 1; minus strand). Cytogenetic location: 9q22.32.
Variant type: single nucleotide variant.
Coding change: c.3362A>G on transcript NM_000264.5 (MANE Select); coding-DNA position 3362, A replaced by G.
Protein change: p.His1121Arg; replaces histidine 1121 with arginine.
Molecular consequence: missense variant. On other transcripts: non-coding transcript variant (1).
Genome position (GRCh38, 1-based): chr9:95,453,565, T>C on the plus strand (A>G on the coding strand, the complement: PTCH1 is on the minus strand). VCF-style: chr9-95453565-T-C. GRCh37 (hg19) VCF-style: chr9-98215847-T-C.
Other names: c.3164A>G, p.His1055Arg (NM_001083602.3); c.3359A>G, p.His1120Arg (NM_001083603.3); c.2909A>G, p.His970Arg (NM_001083604.3, NM_001083605.3, NM_001083606.3 and 1 more transcripts); c.3206A>G, p.His1069Arg (NM_001354918.2); c.3362A>G (NM_000264.3); short protein forms H1120R, H970R, H1055R, H1121R, H1069R.
Identifiers: ClinVar variation 1484465 (VCV001484465.7), dbSNP rs1838661805, ClinGen allele CA374111825.